The following is an entry in ClinVar:

ClinVar aggregate classification (germline): Pathogenic (1 of 4 stars; one submission).

Conditions:
Axenfeld-Rieger syndrome type 3 (RIEG3). Also called: AXENFELD-RIEGER ANOMALY WITH CARDIAC DEFECTS AND/OR SENSORINEURAL HEARING LOSS. Identifiers: Orphanet 782, MedGen C2678503, MONDO:0011233, OMIM 602482.

Submission:

Labcorp Genetics (formerly Invitae), Labcorp
Classification: Pathogenic for Axenfeld-Rieger syndrome type 3. Last evaluated: 2023-04-10. Review status: criteria provided, single submitter. Criteria: Invitae Variant Classification Sherloc (09022015). Collection method: clinical testing. Allele origin: germline.
Comment: For these reasons, this variant has been classified as Pathogenic. This variant disrupts a region of the FOXC1 protein in which other variant(s) (p.Tyr497*) have been determined to be pathogenic (PMID: 28513611; Invitae). This suggests that this is a clinically significant region of the protein, and that variants that disrupt it are likely to be disease-causing. This variant has not been reported in the literature in individuals affected with FOXC1-related conditions. The frequency data for this variant in the population databases is considered unreliable, as metrics indicate insufficient coverage at this position in the gnomAD database. This sequence change creates a premature translational stop signal (p.Ala387Argfs*144) in the FOXC1 gene. While this is not anticipated to result in nonsense mediated decay, it is expected to disrupt the last 167 amino acid(s) of the FOXC1 protein.

Literature cited by the submitters: PubMed 28513611.

NM_001453.3(FOXC1):c.1149_1158dup (p.Ala387fs)

Gene: FOXC1 (forkhead box C1; plus strand). Cytogenetic location: 6p25.3.
Variant type: Duplication.
Coding change: c.1149_1158dup on transcript NM_001453.3 (MANE Select); coding-DNA positions 1149 to 1158, 10 bases duplicated (CGCGGGGGGC; older notation c.1149_1158dupCGCGGGGGGC).
Protein change: p.Ala387fs; shifts the reading frame from alanine 387.
Molecular consequence: frameshift variant.
Genome position (GRCh38, 1-based): chr6:1,611,594-1,611,603, CGCGGGGGGC duplicated; duplicating any 10 consecutive bases within chr6:1,611,588-1,611,603 gives the same sequence; the c. name uses the placement nearest the transcript's 3' end. VCF-style (leftmost placement, unchanged base first): chr6-1611587-C-CGGGGGCCGCG. GRCh37 (hg19) VCF-style: chr6-1611822-C-CGGGGGCCGCG.
Other names: short protein forms A387fs.
Identifiers: ClinVar variation 2853837 (VCV002853837.3), dbSNP rs2480505702, ClinGen allele CA2739272833.
Genomic context (GRCh38, chr6:1,611,587, plus strand): 5'-ACAGCTCCCCCTGCAGCCAGACCTCCAGCGCGGGCAGCTCGGGCGGCGGCGGCGGCGGCG[C>CGGGGGCCGCG]GGGGGCCGCGGGGGGCGCGGGCGGCGCCGGGACCTACCACTGCAACCTGCAAGCCATGAG-3'